The following is an entry in ClinVar:

NM_004260.4(RECQL4):c.1584G>C (p.Leu528Phe)

Gene: RECQL4 (RecQ like helicase 4; minus strand). Cytogenetic location: 8q24.3.
Variant type: single nucleotide variant.
Coding change: c.1584G>C on transcript NM_004260.4 (MANE Select); coding-DNA position 1584, G replaced by C.
Protein change: p.Leu528Phe; replaces leucine 528 with phenylalanine.
Molecular consequence: missense variant. On other transcripts: non-coding transcript variant (3).
Genome position (GRCh38, 1-based): chr8:144,514,972, C>G on the plus strand (G>C on the coding strand, the complement: RECQL4 is on the minus strand). VCF-style: chr8-144514972-C-G. GRCh37 (hg19) VCF-style: chr8-145740356-C-G.
Other names: c.1488G>C, p.Leu496Phe (NM_001413017.1, NM_001413020.1); c.1584G>C, p.Leu528Phe (NM_001413018.1, NM_001413019.1, NM_001413036.1 and 1 more transcripts); c.513G>C, p.Leu171Phe (NM_001413021.1, NM_001413022.1, NM_001413034.1 and 7 more transcripts); c.1554G>C, p.Leu518Phe (NM_001413039.1); c.447G>C, p.Leu149Phe (NM_001413041.1, NM_001413027.1, NM_001413030.1 and 2 more transcripts); c.483G>C, p.Leu161Phe (NM_001413042.1); c.117G>C, p.Leu39Phe (NM_001413043.1); c.1455G>C, p.Leu485Phe (NM_001413025.1); and 1 more; short protein forms L161F, L39F, L496F, L149F, L411F, L485F, L518F, L528F.
Identifiers: ClinVar variation 2771871 (VCV002771871.3), dbSNP rs1827937030, ClinGen allele CA372683597.

ClinVar aggregate classification (germline): Uncertain significance (1 of 4 stars; one submission).

Conditions:
Baller-Gerold syndrome (BGS). Also called: CRANIOSYNOSTOSIS WITH RADIAL DEFECTS. Identifiers: Orphanet 1225, MedGen C0265308, MONDO:0009039, OMIM 218600.

Submission:

Labcorp Genetics (formerly Invitae), Labcorp
Classification: Uncertain significance for Baller-Gerold syndrome. Last evaluated: 2023-10-26. Review status: criteria provided, single submitter. Criteria: Invitae Variant Classification Sherloc (09022015). Collection method: clinical testing. Allele origin: germline.
Comment: This sequence change replaces leucine, which is neutral and non-polar, with phenylalanine, which is neutral and non-polar, at codon 528 of the RECQL4 protein (p.Leu528Phe). This variant is not present in population databases (gnomAD no frequency). This variant has not been reported in the literature in individuals affected with RECQL4-related conditions. Advanced modeling of protein sequence and biophysical properties (such as structural, functional, and spatial information, amino acid conservation, physicochemical variation, residue mobility, and thermodynamic stability) performed at Invitae indicates that this missense variant is expected to disrupt RECQL4 protein function with a positive predictive value of 80%. In summary, the available evidence is currently insufficient to determine the role of this variant in disease. Therefore, it has been classified as a Variant of Uncertain Significance.